The following is an entry in ClinVar:

ClinVar aggregate classification (germline): Uncertain significance. Review status: criteria provided, multiple submitters, no conflicts (2 of 4 stars). 2 submissions from 2 submitters: Uncertain significance (2). Last evaluated 2023-11-02.

Conditions:
Cardiomyopathy (CMYO). Also called: Cardiomyopathies. Identifiers: Orphanet 167848, MedGen C0878544, MONDO:0004994, HP:0001638. Inheritance: Various modes of inheritance.
Hypertrophic cardiomyopathy. Also called: HYPERTROPHIC MYOCARDIOPATHY. Identifiers: Orphanet 217569, MedGen C0007194, MeSH D002312, MONDO:0005045, HP:0001639.

Submissions (2):

All of Us Research Program, National Institutes of Health
Classification: Uncertain significance for Cardiomyopathy. Last evaluated: 2023-11-02. Review status: criteria provided, single submitter. Criteria: ACMG Guidelines, 2015. Collection method: clinical testing. Allele origin: germline. Inheritance: Autosomal dominant inheritance. Observed: 1 variant allele, 1 heterozygote.
Comment: This variant causes a G>A substitution at the -1 position of intron 33 of the MYH7 gene. Splice site prediction tools suggest that this variant may impact RNA splicing. Although this prediction has not been confirmed in published RNA studies, this variant is expected to result in an absent or disrupted protein product. To our knowledge, functional studies have not been reported for this variant. This variant has not been reported in individuals affected with MYH7-related disorders in the literature. This variant has not been identified in the general population by the Genome Aggregation Database (gnomAD). Clinical relevance of loss-of-function MYH7 splice site loss and truncation variants in autosomal dominant cardiovascular disorders is not clearly established. The available evidence is insufficient to determine the role of this variant in disease conclusively. Therefore, this variant is classified as a Variant of Uncertain Significance.

This study involves interpretation of variants in research participants for the purpose of population health screening. Participant phenotype was not available at the time of variant classification. Additional details can be found in publication PMID: 35346344, PMCID: PMC8962531

Labcorp Genetics (formerly Invitae), Labcorp
Classification: Uncertain significance for Hypertrophic cardiomyopathy. Last evaluated: 2023-08-28. Review status: criteria provided, single submitter. Criteria: Invitae Variant Classification Sherloc (09022015). Collection method: clinical testing. Allele origin: germline.
Comment: This sequence change affects an acceptor splice site in intron 33 of the MYH7 gene. It is expected to disrupt RNA splicing. Variants that disrupt the donor or acceptor splice site typically lead to a loss of protein function (PMID: 16199547), however the current clinical and genetic evidence is not sufficient to establish whether loss-of-function variants in MYH7 cause disease. This variant is not present in population databases (gnomAD no frequency). This variant has not been reported in the literature in individuals affected with MYH7-related conditions. Experimental studies and prediction algorithms are not available or were not evaluated, and the functional significance of this variant is currently unknown. Algorithms developed to predict the effect of sequence changes on RNA splicing suggest that this variant may disrupt the consensus splice site. In summary, the available evidence is currently insufficient to determine the role of this variant in disease. Therefore, it has been classified as a Variant of Uncertain Significance.

Literature cited by the submitters: PubMed 16199547 (cited by Labcorp Genetics (formerly Invitae), Labcorp).

NM_000257.4(MYH7):c.4645-1G>A

Genes: MHRT (myosin heavy chain associated RNA transcript; plus strand), MYH7 (myosin heavy chain 7; minus strand), LOC126861897 (BRD4-independent group 4 enhancer GRCh37_chr14:23884455-23885654; plus strand). Cytogenetic location: 14q11.2.
Variant type: single nucleotide variant.
Coding change: c.4645-1G>A on transcript NM_000257.4 (MANE Select); the canonical splice acceptor site of the intron before coding-DNA position 4645, G replaced by A.
Molecular consequence: splice acceptor variant.
Genome position (GRCh38, 1-based): chr14:23,416,313, C>T on the plus strand (G>A on the coding strand, the complement: MYH7 is on the minus strand). VCF-style: chr14-23416313-C-T. GRCh37 (hg19) VCF-style: chr14-23885522-C-T.
Other names: c.4645-1G>A (NM_001407004.1).
Identifiers: ClinVar variation 2804801 (VCV002804801.4), dbSNP rs2502246065, ClinGen allele CA389037946.